The following is an entry in ClinVar:

ClinVar aggregate classification (germline): Pathogenic (1 of 4 stars; one submission).

Conditions:
Spastic paraplegia. Identifiers: MedGen C0037772, HP:0001258.

Submission:

Labcorp Genetics (formerly Invitae), Labcorp
Classification: Pathogenic for Spastic paraplegia. Last evaluated: 2022-04-16. Review status: criteria provided, single submitter. Criteria: Invitae Variant Classification Sherloc (09022015). Collection method: clinical testing. Allele origin: germline.
Comment: This sequence change creates a premature translational stop signal (p.Trp758*) in the GBA2 gene. It is expected to result in an absent or disrupted protein product. Loss-of-function variants in GBA2 are known to be pathogenic (PMID: 23332916, 23332917). For these reasons, this variant has been classified as Pathogenic. This variant has not been reported in the literature in individuals affected with GBA2-related conditions. This variant is not present in population databases (gnomAD no frequency).

Literature cited by the submitters: PubMed 23332916; PubMed 23332917.

NM_020944.3(GBA2):c.2274G>A (p.Trp758Ter)

Gene: GBA2 (glucosylceramidase beta 2; minus strand). Cytogenetic location: 9p13.3.
Variant type: single nucleotide variant.
Coding change: c.2274G>A on transcript NM_020944.3 (MANE Select); coding-DNA position 2274, G replaced by A.
Protein change: p.Trp758Ter; replaces tryptophan 758 with a stop codon.
Molecular consequence: nonsense.
Genome position (GRCh38, 1-based): chr9:35,738,076, C>T on the plus strand (G>A on the coding strand, the complement: GBA2 is on the minus strand). VCF-style: chr9-35738076-C-T. GRCh37 (hg19) VCF-style: chr9-35738073-C-T.
Other names: c.2274G>A, p.Trp758Ter (NM_001330660.2); short protein forms W758*.
Identifiers: ClinVar variation 2126684 (VCV002126684.4), dbSNP rs2490837980, ClinGen allele CA373404703.
Genomic context (GRCh38, chr9:35,738,076, plus strand): 5'-CTGCTCCTCCTCCTCTCTCACCTCAGTGTCTCCTTCTCCTAGGCCACAGGCCTTCAGGAA[C>T]CACTGTCCAGCACACTGGTCAGACATAACACTACGAGACTGAGGCCGAGAGCTGCTGTCA-3'